The following is an entry in ClinVar:

ClinVar aggregate classification (germline): Pathogenic. Review status: reviewed by expert panel (3 of 4 stars). 6 submissions from 6 submitters: Pathogenic (1). 5 of the submissions do not count toward it. Last evaluated 2016-09-08.

Conditions:
Hereditary cancer-predisposing syndrome. Also called: Tumor predisposition; Neoplastic Syndromes, Hereditary; Hereditary neoplastic syndrome; Hereditary Cancer Syndrome. Identifiers: Orphanet 140162, MedGen C0027672, MeSH D009386, MONDO:0015356.
Hereditary breast ovarian cancer syndrome. Also called: Hereditary breast and ovarian cancer; Hereditary breast and ovarian cancer syndrome (HBOC); Hereditary breast and ovarian cancer syndrome; BRCA1- and BRCA2-Associated Hereditary Breast and Ovarian Cancer; Breast and ovarian cancer; Hereditary breast and/or ovarian cancer syndrome. Identifiers: Orphanet 145, MedGen C0677776, MeSH D061325, MONDO:0003582. Disease mechanism: loss of function.
Breast-ovarian cancer, familial, susceptibility to, 2 (BROVCA2). Also called: BRCA2 Hereditary Breast and Ovarian Cancer. Identifiers: Orphanet 145, MedGen C2675520, MONDO:0012933, OMIM 612555. Disease mechanism: loss of function.

Submissions (6):

Evidence-based Network for the Interpretation of Germline Mutant Alleles (ENIGMA)
Classification: Pathogenic for Breast-ovarian cancer, familial, susceptibility to, 2. Last evaluated: 2016-09-08. Review status: reviewed by expert panel. Criteria: ENIGMA BRCA1/2 Classification Criteria (2015). Collection method: curation. Allele origin: germline.
Comment: Variant allele predicted to encode a truncated non-functional protein.

Labcorp Genetics (formerly Invitae), Labcorp
Classification: Pathogenic for Hereditary breast ovarian cancer syndrome. Last evaluated: 2025-08-07. Review status: criteria provided, single submitter. Criteria: Invitae Variant Classification Sherloc (09022015). Collection method: clinical testing. Allele origin: germline. Not counted in ClinVar's aggregate classification.
Comment: This sequence change creates a premature translational stop signal (p.Asn1906*) in the BRCA2 gene. It is expected to result in an absent or disrupted protein product. Loss-of-function variants in BRCA2 are known to be pathogenic (PMID: 20104584). This variant is not present in population databases (gnomAD no frequency). This variant has not been reported in the literature in individuals affected with BRCA2-related conditions. ClinVar contains an entry for this variant (Variation ID: 143024). For these reasons, this variant has been classified as Pathogenic.

Ambry Genetics
Classification: Pathogenic for Hereditary cancer-predisposing syndrome. Last evaluated: 2024-04-30. Review status: criteria provided, single submitter. Criteria: Ambry Variant Classification Scheme 2023. Collection method: clinical testing. Allele origin: germline. Not counted in ClinVar's aggregate classification.
Comment: The c.5715dupT pathogenic mutation, located in coding exon 10 of the BRCA2 gene, results from a duplication of T at nucleotide position 5715, causing a translational frameshift with a predicted alternate stop codon (p.N1906*). This variant is considered to be rare based on population cohorts in the Genome Aggregation Database (gnomAD). This alteration is expected to result in loss of function by premature protein truncation or nonsense-mediated mRNA decay. As such, this alteration is interpreted as a disease-causing mutation.

Color Diagnostics, LLC DBA Color Health
Classification: Pathogenic for Hereditary cancer-predisposing syndrome. Last evaluated: 2019-07-30. Review status: criteria provided, single submitter. Criteria: ACMG Guidelines, 2015. Collection method: clinical testing. Allele origin: germline. Not counted in ClinVar's aggregate classification.
Comment: This variant inserts 1 nucleotide in exon 11 of the BRCA2 gene, creating a premature translation stop signal. This variant is expected to result in an absent or non-functional protein product. Splice site prediction tools suggest that this variant may not impact RNA splicing. To our knowledge, functional studies have not been performed for this variant. This variant has not been reported in individuals affected with hereditary cancer in the literature. This variant has not been identified in the general population by the Genome Aggregation Database (gnomAD). Loss of BRCA2 function is a known mechanism of disease. Based on available evidence, this variant is classified as Pathogenic.

Quest Diagnostics Nichols Institute San Juan Capistrano
Classification: Pathogenic for Breast-ovarian cancer, familial, susceptibility to, 2. Last evaluated: 2015-04-30. Review status: criteria provided, single submitter. Criteria: Quest Diagnostics criteria. Collection method: clinical testing. Allele origin: germline. Inheritance: Autosomal dominant inheritance. Not counted in ClinVar's aggregate classification.

Counsyl
Classification: Likely pathogenic for Breast-ovarian cancer, familial, susceptibility to, 2. Last evaluated: 2016-10-31. Review status: no assertion criteria provided. Collection method: clinical testing. Allele origin: unknown. Not counted in ClinVar's aggregate classification.

Literature cited by the submitters: PubMed 20104584 (cited by Labcorp Genetics (formerly Invitae), Labcorp); PubMed 26295337 (cited by Quest Diagnostics Nichols Institute San Juan Capistrano).

NM_000059.4(BRCA2):c.5715dup (p.Asn1906Ter)

Gene: BRCA2 (BRCA2 DNA repair associated; plus strand). Cytogenetic location: 13q13.1.
Variant type: Duplication.
Coding change: c.5715dup on transcript NM_000059.4 (MANE Select); coding-DNA position 5715, one base duplicated (T; older notation c.5715dupT).
Protein change: p.Asn1906Ter; replaces asparagine 1906 with a stop codon.
Molecular consequence: nonsense.
Genome position (GRCh38, 1-based): chr13:32,340,070, T duplicated. VCF-style (leftmost placement, unchanged base first): chr13-32340069-A-AT. GRCh37 (hg19) VCF-style: chr13-32914206-A-AT.
Other names: c.5715dupT (NM_000059.3); short protein forms N1906*.
Identifiers: ClinVar variation 143024 (VCV000143024.24), dbSNP rs587782901, ClinGen allele CA170048.